The following is an entry in ClinVar:

ClinVar aggregate classification (germline): Uncertain significance (1 of 4 stars; one submission).

gnomAD v4.1: 19 of 1,208,404 alleles (0.0016%); highest among the groups gnomAD compares: African/African-American, 0.014%; no homozygotes.

Submission:

Labcorp Genetics (formerly Invitae), Labcorp
Classification: Uncertain significance. Last evaluated: 2024-10-29. Review status: criteria provided, single submitter. Criteria: Invitae Variant Classification Sherloc (09022015). Collection method: clinical testing. Allele origin: germline.
Comment: This sequence change replaces proline, which is neutral and non-polar, with serine, which is neutral and polar, at codon 441 of the GYG2 protein (p.Pro441Ser). This variant is present in population databases (rs781004232, gnomAD 0.01%). This variant has not been reported in the literature in individuals affected with GYG2-related conditions. An algorithm developed to predict the effect of missense changes on protein structure and function (PolyPhen-2) suggests that this variant is likely to be tolerated. In summary, the available evidence is currently insufficient to determine the role of this variant in disease. Therefore, it has been classified as a Variant of Uncertain Significance.

NM_001079855.2(GYG2):c.1228C>T (p.Pro410Ser)

Gene: GYG2 (glycogenin 2; plus strand). Cytogenetic location: Xp22.33.
Variant type: single nucleotide variant.
Coding change: c.1228C>T on transcript NM_001079855.2 (MANE Select); coding-DNA position 1228, C replaced by T.
Protein change: p.Pro410Ser; replaces proline 410 with serine.
Molecular consequence: missense variant. On other transcripts: intron variant (2).
Genome position (GRCh38, 1-based): chrX:2,877,284, C>T. VCF-style: chrX-2877284-C-T. GRCh37 (hg19) VCF-style: chrX-2795325-C-T.
Other names: c.1225C>T, p.Pro409Ser (NM_001184702.2); c.1321C>T, p.Pro441Ser (NM_003918.3); c.1132-3768C>T (NM_001184703.2); c.574-3768C>T (NM_001184704.2); short protein forms P409S, P441S, P410S.
Identifiers: ClinVar variation 3633891 (VCV003633891.2).